The following is an entry in ClinVar:

NM_152564.5(VPS13B):c.9938dup (p.Gln3314fs)

Gene: VPS13B (vacuolar protein sorting 13 homolog B; plus strand). Cytogenetic location: 8q22.2.
Variant type: Duplication.
Coding change: c.9938dup on transcript NM_152564.5 (MANE Select); coding-DNA position 9938, one base duplicated (C; older notation c.9938dupC).
Protein change: p.Gln3314fs; shifts the reading frame from glutamine 3314.
Molecular consequence: frameshift variant.
Genome position (GRCh38, 1-based): chr8:99,835,734, C duplicated. VCF-style (leftmost placement, unchanged base first): chr8-99835733-A-AC. GRCh37 (hg19) VCF-style: chr8-100847961-A-AC.
Other names: c.10013dup, p.Gln3339fs (NM_017890.5); short protein forms Q3314fs, Q3339fs.
Identifiers: ClinVar variation 2763988 (VCV002763988.3), dbSNP rs2492124610, ClinGen allele CA2697550078.
Genomic context (GRCh38, chr8:99,835,733, plus strand): 5'-GAACCTCTAGATGAAGTAACAACTGAGTGGAGTGATGCCATTGACATCAACAGTCAGGGA[A>AC]CACAGGTCAGTGAGCCATGTGTTCCTGCCAAGACCCAAAGAAAAATGCCCTTTTCTGAGG-3'

ClinVar aggregate classification (germline): Pathogenic (1 of 4 stars; one submission).

Conditions:
Cohen syndrome (COH1). Also called: PEPPER SYNDROME; Cutis verticis gyrata, retinitis pigmentosa, and sensorineural deafness. Identifiers: Orphanet 193, MedGen C0265223, MONDO:0008999, OMIM 216550.

Submission:

Labcorp Genetics (formerly Invitae), Labcorp
Classification: Pathogenic for Cohen syndrome. Last evaluated: 2023-09-27. Review status: criteria provided, single submitter. Criteria: Invitae Variant Classification Sherloc (09022015). Collection method: clinical testing. Allele origin: germline.
Comment: This sequence change creates a premature translational stop signal (p.Gln3339Thrfs*50) in the VPS13B gene. It is expected to result in an absent or disrupted protein product. Loss-of-function variants in VPS13B are known to be pathogenic (PMID: 15141358, 16648375, 20461111). This variant is not present in population databases (gnomAD no frequency). This variant has not been reported in the literature in individuals affected with VPS13B-related conditions. For these reasons, this variant has been classified as Pathogenic.

Literature cited by the submitters: PubMed 15141358; PubMed 16648375; PubMed 20461111.